The following is an entry in ClinVar:

NM_004380.3(CREBBP):c.3806A>G (p.Lys1269Arg)

Gene: CREBBP (CREB binding lysine acetyltransferase; minus strand). Cytogenetic location: 16p13.3.
Variant type: single nucleotide variant.
Coding change: c.3806A>G on transcript NM_004380.3 (MANE Select); coding-DNA position 3806, A replaced by G.
Protein change: p.Lys1269Arg; replaces lysine 1269 with arginine.
Molecular consequence: missense variant.
Genome position (GRCh38, 1-based): chr16:3,749,657, T>C on the plus strand (A>G on the coding strand, the complement: CREBBP is on the minus strand). VCF-style: chr16-3749657-T-C. GRCh37 (hg19) VCF-style: chr16-3799658-T-C.
Other names: c.3692A>G, p.Lys1231Arg (NM_001079846.1); short protein forms K1231R, K1269R.
Identifiers: ClinVar variation 4781024 (VCV004781024.1).
Genomic context (GRCh38, chr16:3,749,657, plus strand): 5'-AAAGTAAAAAAGAAATAGCTATATACTTACGGTTCGGGGTCTAAGGTATCATTTTTCTTC[T>C]TTTCAAACTGATCCTTTGAAATTGTCCTTGTTTTAAAATAAGAAAACATGTTTTATTAAC-3'
Protein context (NP_004371.2, residues 1259-1279): QTTISKDQFE[Lys1269Arg]KKNDTLDPEP

ClinVar aggregate classification (germline): Uncertain significance (1 of 4 stars; one submission).

Conditions:
Rubinstein-Taybi syndrome (RSTS). Identifiers: Orphanet 783, MedGen C0035934, MONDO:0019188.

Submission:

Labcorp Genetics (formerly Invitae), Labcorp
Classification: Uncertain significance for Rubinstein-Taybi syndrome. Last evaluated: 2025-05-23. Review status: criteria provided, single submitter. Criteria: Invitae Variant Classification Sherloc (09022015). Collection method: clinical testing. Allele origin: germline.
Comment: This sequence change replaces lysine, which is basic and polar, with arginine, which is basic and polar, at codon 1269 of the CREBBP protein (p.Lys1269Arg). This variant is not present in population databases (gnomAD no frequency). This variant has not been reported in the literature in individuals affected with CREBBP-related conditions. Invitae Evidence Modeling of protein sequence and biophysical properties (such as structural, functional, and spatial information, amino acid conservation, physicochemical variation, residue mobility, and thermodynamic stability) indicates that this missense variant is not expected to disrupt CREBBP protein function with a negative predictive value of 95%. In summary, the available evidence is currently insufficient to determine the role of this variant in disease. Therefore, it has been classified as a Variant of Uncertain Significance.